The following is an entry in ClinVar:

ClinVar aggregate classification (germline): Uncertain significance. Review status: criteria provided, multiple submitters, no conflicts (2 of 4 stars). 2 submissions from 2 submitters: Uncertain significance (2). Last evaluated 2025-06-22.

Conditions:
Hereditary cancer-predisposing syndrome. Also called: Neoplastic Syndromes, Hereditary; Tumor predisposition; Hereditary Cancer Syndrome; Hereditary neoplastic syndrome. Identifiers: Orphanet 140162, MedGen C0027672, MeSH D009386, MONDO:0015356.

Submissions (2):

Ambry Genetics
Classification: Uncertain significance for Hereditary cancer-predisposing syndrome. Last evaluated: 2025-06-22. Review status: criteria provided, single submitter. Criteria: Ambry Variant Classification Scheme 2023. Collection method: clinical testing. Allele origin: germline.
Comment: The p.S16Y variant (also known as c.47C>A), located in coding exon 1 of the BARD1 gene, results from a C to A substitution at nucleotide position 47. The serine at codon 16 is replaced by tyrosine, an amino acid with dissimilar properties. This amino acid position is conserved. In addition, the in silico prediction for this alteration is inconclusive. Based on the available evidence, the clinical significance of this variant remains unclear.

Color Diagnostics, LLC DBA Color Health
Classification: Uncertain significance for Hereditary cancer-predisposing syndrome. Last evaluated: 2024-03-07. Review status: criteria provided, single submitter. Criteria: ACMG Guidelines, 2015. Collection method: clinical testing. Allele origin: germline.
Comment: This missense variant replaces serine with tyrosine at codon 16 of the BARD1 protein. Computational prediction suggests that this variant may not impact protein structure and function (internally defined REVEL score threshold <= 0.5, PMID: 27666373). To our knowledge, functional studies have not been reported for this variant. This variant has not been reported in individuals affected with hereditary cancer in the literature. This variant has not been identified in the general population by the Genome Aggregation Database (gnomAD). The available evidence is insufficient to determine the role of this variant in disease conclusively. Therefore, this variant is classified as a Variant of Uncertain Significance.

NM_000465.4(BARD1):c.47C>A (p.Ser16Tyr)

Gene: BARD1 (BRCA1 associated RING domain 1; minus strand). Cytogenetic location: 2q35.
Variant type: single nucleotide variant.
Coding change: c.47C>A on transcript NM_000465.4 (MANE Select); coding-DNA position 47, C replaced by A.
Protein change: p.Ser16Tyr; replaces serine 16 with tyrosine.
Molecular consequence: missense variant. On other transcripts: non-coding transcript variant (3).
Genome position (GRCh38, 1-based): chr2:214,809,523, G>T on the plus strand (C>A on the coding strand, the complement: BARD1 is on the minus strand). VCF-style: chr2-214809523-G-T. GRCh37 (hg19) VCF-style: chr2-215674247-G-T.
Other names: c.47C>A, p.Ser16Tyr (NM_001282543.2, NM_001282545.2, NM_001282548.2 and 1 more transcripts); c.47C>A (NM_000465.2); short protein forms S16Y.
Identifiers: ClinVar variation 2774801 (VCV002774801.3), dbSNP rs1326565823, ClinGen allele CA350465280.